The following is an entry in ClinVar:

NM_000169.3(GLA):c.1055C>T (p.Ala352Val)

Genes: GLA (galactosidase alpha; minus strand), RPL36A-HNRNPH2 (RPL36A-HNRNPH2 readthrough; plus strand). Cytogenetic location: Xq22.1.
Variant type: single nucleotide variant.
Coding change: c.1055C>T on transcript NM_000169.3 (MANE Select); coding-DNA position 1055, C replaced by T.
Protein change: p.Ala352Val; replaces alanine 352 with valine.
Molecular consequence: missense variant. On other transcripts: non-coding transcript variant (3), intron variant (2).
Genome position (GRCh38, 1-based): chrX:101,398,044, G>A on the plus strand (C>T on the coding strand, the complement: GLA is on the minus strand). VCF-style: chrX-101398044-G-A. GRCh37 (hg19) VCF-style: chrX-100653032-G-A.
Other names: c.1178C>T, p.Ala393Val (NM_001406747.1); c.300+2587G>A (NM_001199973.2); c.177+6222G>A (NM_001199974.2); short protein forms A352V, A393V.
Identifiers: ClinVar variation 4087628 (VCV004087628.2).

ClinVar aggregate classification (germline): Uncertain significance (1 of 4 stars; one submission).

Conditions:
Fabry disease. Also called: ALPHA-GALACTOSIDASE A DEFICIENCY; ANDERSON-FABRY DISEASE; CERAMIDE TRIHEXOSIDASE DEFICIENCY; GLA DEFICIENCY; HEREDITARY DYSTOPIC LIPIDOSIS; Angiokeratoma corporis diffusum. Identifiers: Orphanet 324, MedGen C0002986, MONDO:0010526, OMIM 301500, HP:0001071. Disease mechanism: Fabry disease is due to inactivating mutations in the X-linked GLA gene resulting in deficiency of the enzyme Alpha Galactosidase-A., loss of function.

Submission:

Genomenon, Inc
Classification: Uncertain significance for Fabry disease. Last evaluated: 2026-09-08. Review status: criteria provided, single submitter. Criteria: Genomenon Sequence Variant Interpretation Standards - Updated. Collection method: curation. Allele origin: germline. Affected: no.
Comment: GLA p.Ala352Val (c.1055C>T) is a missense variant that changes the amino acid at codon 352 from Alanine to Valine. This variant has been reported in the published literature (PMID:27657681). It is absent or not present at a significant frequency in gnomAD. In silico models predict that this variant is possibly or probably damaging. In conclusion, we classify GLA p.Ala352Val (c.1055C>T) as a variant of uncertain significance.

Literature cited by the submitters: PubMed 27657681.